The following is an entry in ClinVar:

ClinVar aggregate classification (germline): Uncertain significance (1 of 4 stars; one submission).

Conditions:
AUTS2-related disorder. Also called: AUTS2-related condition.

gnomAD v4.1: 2 of 1,613,282 alleles (0.00012%); highest among the groups gnomAD compares: African/African-American, 0.0013%; no homozygotes.

Submission:

PreventionGenetics, part of Exact Sciences
Classification: Uncertain significance for AUTS2-related condition. Last evaluated: 2024-11-11. Review status: criteria provided, single submitter. Criteria: ACMG Guidelines, 2015. Collection method: clinical testing. Allele origin: germline.
Comment: The AUTS2 c.3440G>A variant is predicted to result in the amino acid substitution p.Gly1147Asp. To our knowledge, this variant has not been reported in the literature or in a large population database (gnomAD), indicating this variant is rare. At this time, the clinical significance of this variant is uncertain due to the absence of conclusive functional and genetic evidence.

NM_015570.4(AUTS2):c.3440G>A (p.Gly1147Asp)

Gene: AUTS2 (activator of transcription and developmental regulator AUTS2; plus strand). Cytogenetic location: 7q11.22.
Variant type: single nucleotide variant.
Coding change: c.3440G>A on transcript NM_015570.4 (MANE Select); coding-DNA position 3440, G replaced by A.
Protein change: p.Gly1147Asp; replaces glycine 1147 with aspartic acid.
Molecular consequence: missense variant.
Genome position (GRCh38, 1-based): chr7:70,790,656, G>A. VCF-style: chr7-70790656-G-A. GRCh37 (hg19) VCF-style: chr7-70255642-G-A.
Other names: c.3368G>A, p.Gly1123Asp (NM_001127231.3); short protein forms G1123D, G1147D.
Identifiers: ClinVar variation 4982266 (VCV004982266.1).